The following is an entry in ClinVar:

NM_000143.4(FH):c.113C>T (p.Pro38Leu)

Gene: FH (fumarate hydratase; minus strand). Cytogenetic location: 1q43.
Variant type: single nucleotide variant.
Coding change: c.113C>T on transcript NM_000143.4 (MANE Select); coding-DNA position 113, C replaced by T.
Protein change: p.Pro38Leu; replaces proline 38 with leucine.
Molecular consequence: missense variant.
Genome position (GRCh38, 1-based): chr1:241,519,610, G>A on the plus strand (C>T on the coding strand, the complement: FH is on the minus strand). VCF-style: chr1-241519610-G-A. GRCh37 (hg19) VCF-style: chr1-241682910-G-A.
Other names: c.113C>T (NM_000143.3); short protein forms P38L.
Identifiers: ClinVar variation 1427434 (VCV001427434.10), dbSNP rs2147926864, ClinGen allele CA345442660.
Genomic context (GRCh38, chr1:241,519,610, plus strand): 5'-GGTCACTGCGGGGAGGCCGGGGGATGGCGGCCTGCGCTCACCATTCGAGCCGCGTTCGGA[G>A]GCCAAAACGAGGGCACGGCCGCGCCACCCAAGCCGGGAGCCGAAGCTAAGGCTGCGGCTG-3'
Protein context (NP_000134.2, residues 28-48): LGGAAVPSFW[Pro38Leu]PNAARMASQN

ClinVar aggregate classification (germline): Uncertain significance. Review status: criteria provided, multiple submitters, no conflicts (2 of 4 stars). 3 submissions from 3 submitters: Uncertain significance (2). 1 of the submissions does not count toward it. Last evaluated 2025-08-30.

Conditions:
Hereditary cancer-predisposing syndrome. Also called: Hereditary neoplastic syndrome; Tumor predisposition; Hereditary Cancer Syndrome; Neoplastic Syndromes, Hereditary. Identifiers: Orphanet 140162, MedGen C0027672, MeSH D009386, MONDO:0015356.
Fumarase deficiency (FMRD). Also called: Fumaric aciduria; Fumarate Hydratase Deficiency. Identifiers: Orphanet 24, MedGen C0342770, MONDO:0011730, OMIM 606812.

Submissions (3):

Ambry Genetics
Classification: Uncertain significance for Hereditary cancer-predisposing syndrome. Last evaluated: 2025-08-30. Review status: criteria provided, single submitter. Criteria: Ambry Variant Classification Scheme 2023. Collection method: clinical testing. Allele origin: germline.
Comment: The p.P38L variant (also known as c.113C>T), located in coding exon 1 of the FH gene, results from a C to T substitution at nucleotide position 113. The proline at codon 38 is replaced by leucine, an amino acid with similar properties. This amino acid position is conserved. In addition, this alteration is predicted to be tolerated by in silico analysis. Based on the available evidence, the clinical significance of this variant remains unclear.

Labcorp Genetics (formerly Invitae), Labcorp
Classification: Uncertain significance. Last evaluated: 2023-11-07. Review status: criteria provided, single submitter. Criteria: Invitae Variant Classification Sherloc (09022015). Collection method: clinical testing. Allele origin: germline.
Comment: This sequence change replaces proline, which is neutral and non-polar, with leucine, which is neutral and non-polar, at codon 38 of the FH protein (p.Pro38Leu). This variant is not present in population databases (gnomAD no frequency). This variant has not been reported in the literature in individuals affected with FH-related conditions. ClinVar contains an entry for this variant (Variation ID: 1427434). Advanced modeling of protein sequence and biophysical properties (such as structural, functional, and spatial information, amino acid conservation, physicochemical variation, residue mobility, and thermodynamic stability) performed at Invitae indicates that this missense variant is not expected to disrupt FH protein function with a negative predictive value of 95%. In summary, the available evidence is currently insufficient to determine the role of this variant in disease. Therefore, it has been classified as a Variant of Uncertain Significance.

Natera, Inc.
Classification: Uncertain significance for Fumarase Deficiency. Last evaluated: 2025-01-03. Review status: no assertion criteria provided. Collection method: clinical testing. Allele origin: germline. Not counted in ClinVar's aggregate classification.